The following is an entry in ClinVar:

NM_012330.4(KAT6B):c.5263G>A (p.Val1755Met)

Gene: KAT6B (lysine acetyltransferase 6B; plus strand). Cytogenetic location: 10q22.2.
Variant type: single nucleotide variant.
Coding change: c.5263G>A on transcript NM_012330.4 (MANE Select); coding-DNA position 5263, G replaced by A.
Protein change: p.Val1755Met; replaces valine 1755 with methionine.
Molecular consequence: missense variant.
Genome position (GRCh38, 1-based): chr10:75,030,087, G>A. VCF-style: chr10-75030087-G-A. GRCh37 (hg19) VCF-style: chr10-76789845-G-A.
Other names: c.4714G>A, p.Val1572Met (NM_001256468.2, NM_001370138.1); c.4387G>A, p.Val1463Met (NM_001256469.2, NM_001370142.1, NM_001370139.1 and 2 more transcripts); c.4198G>A, p.Val1400Met (NM_001370143.1, NM_001370144.1); c.4225G>A, p.Val1409Met (NM_001370132.1); c.3574G>A, p.Val1192Met (NM_001370133.1); c.3178G>A, p.Val1060Met (NM_001370134.1); c.2920G>A, p.Val974Met (NM_001370135.1); c.5263G>A, p.Val1755Met (NM_001370136.1, NM_001370137.1); short protein forms V1409M, V1060M, V1192M, V1755M, V1400M, V1463M, V1572M, V974M.
Identifiers: ClinVar variation 2756821 (VCV002756821.3), dbSNP rs2549209644, ClinGen allele CA377300610.

ClinVar aggregate classification (germline): Uncertain significance (1 of 4 stars; one submission).

Conditions:
Genitopatellar syndrome (GTPTS). Also called: ABSENT PATELLAE, SCROTAL HYPOPLASIA, RENAL ANOMALIES, FACIAL DYSMORPHISM, AND MENTAL RETARDATION; Genitopatellar syndrome (GPS). Identifiers: Orphanet 85201, MedGen C1853566, MONDO:0011640, OMIM 606170.

Allele frequency attached by ClinVar (database versions not stated): gnomAD exomes below 0.00001.
gnomAD v4.1: 1 of 1,614,238 alleles (0.000062%); highest among the groups gnomAD compares: Non-Finnish European, 0.000085%; no homozygotes.

Submission:

Labcorp Genetics (formerly Invitae), Labcorp
Classification: Uncertain significance for Genitopatellar syndrome. Last evaluated: 2023-08-30. Review status: criteria provided, single submitter. Criteria: Invitae Variant Classification Sherloc (09022015). Collection method: clinical testing. Allele origin: germline.
Comment: This variant has not been reported in the literature in individuals affected with KAT6B-related conditions. An algorithm developed to predict the effect of missense changes on protein structure and function (PolyPhen-2) suggests that this variant is likely to be disruptive. In summary, the available evidence is currently insufficient to determine the role of this variant in disease. Therefore, it has been classified as a Variant of Uncertain Significance. This variant is not present in population databases (gnomAD no frequency). This sequence change replaces valine, which is neutral and non-polar, with methionine, which is neutral and non-polar, at codon 1755 of the KAT6B protein (p.Val1755Met).